The following is an entry in ClinVar:

NM_033343.4(LHX4):c.1161T>G (p.His387Gln)

Genes: ACBD6 (acyl-CoA binding domain containing 6; minus strand), LHX4 (LIM homeobox 4; plus strand), LHX4-AS1 (LHX4 antisense RNA 1; minus strand). Cytogenetic location: 1q25.2.
Variant type: single nucleotide variant.
Coding change: c.1161T>G on transcript NM_033343.4 (MANE Select); coding-DNA position 1161, T replaced by G.
Protein change: p.His387Gln; replaces histidine 387 with glutamine.
Molecular consequence: missense variant.
Genome position (GRCh38, 1-based): chr1:180,274,567, T>G. VCF-style: chr1-180274567-T-G. GRCh37 (hg19) VCF-style: chr1-180243702-T-G.
Other names: short protein forms H387Q.
Identifiers: ClinVar variation 2551201 (VCV002551201.5), dbSNP rs142044989, ClinGen allele CA1272100.

ClinVar aggregate classification (germline): Uncertain significance. Review status: criteria provided, multiple submitters, no conflicts (2 of 4 stars). 3 submissions from 3 submitters: Uncertain significance (3). Last evaluated 2025-12-02.

Conditions:
Inborn genetic diseases. Identifiers: MedGen C0950123, MeSH D030342.

Allele frequency attached by ClinVar (database versions not stated): TOPMed 0.00008; ExAC 0.00011; gnomAD 0.00011; gnomAD exomes 0.00012; ESP Exome Variant Server 0.00015; 1000 Genomes Project 30x 0.00016; 1000 Genomes Project 0.00020.
gnomAD v4.1: 196 of 1,577,706 alleles (0.012%); highest among the groups gnomAD compares: Non-Finnish European, 0.014%; no homozygotes.

Submissions (3):

Ambry Genetics
Classification: Uncertain significance for Inborn genetic diseases. Last evaluated: 2025-12-02. Review status: criteria provided, single submitter. Criteria: Ambry Variant Classification Scheme 2023. Collection method: clinical testing. Allele origin: germline.
Comment: The c.1161T>G (p.H387Q) alteration is located in exon 6 (coding exon 6) of the LHX4 gene. This alteration results from a T to G substitution at nucleotide position 1161, causing the histidine (H) at amino acid position 387 to be replaced by a glutamine (Q). Based on data from gnomAD, the G allele has an overall frequency of 0.008% (21/259914) total alleles studied. The highest observed frequency was 0.03% (2/6742) of Other alleles. Based on insufficient or conflicting evidence, the clinical significance of this alteration remains unclear.

Women's Health and Genetics/Laboratory Corporation of America, LabCorp
Classification: Uncertain significance. Last evaluated: 2025-11-10. Review status: criteria provided, single submitter. Criteria: LabCorp Variant Classification Summary - May 2015. Collection method: clinical testing. Allele origin: germline.
Comment: Variant summary: LHX4 c.1161T>G (p.His387Gln) results in a non-conservative amino acid change in the encoded protein sequence. Algorithms developed to predict the effect of missense changes on protein structure and function all suggest that this variant is likely to be disruptive. The variant allele was found at a frequency of 7.9e-05 in 228516 control chromosomes. This frequency is not significantly higher than estimated for disease-causing variants in LHX4, allowing no conclusion about variant significance. To our knowledge, no occurrence of c.1161T>G in individuals affected with LHX4-related conditions and no experimental evidence demonstrating its impact on protein function have been reported. ClinVar contains an entry for this variant (Variation ID: 2551201). Based on the evidence outlined above, the variant was classified as uncertain significance.

Labcorp Genetics (formerly Invitae), Labcorp
Classification: Uncertain significance. Last evaluated: 2025-09-23. Review status: criteria provided, single submitter. Criteria: Invitae Variant Classification Sherloc (09022015). Collection method: clinical testing. Allele origin: germline.
Comment: This sequence change replaces histidine, which is basic and polar, with glutamine, which is neutral and polar, at codon 387 of the LHX4 protein (p.His387Gln). This variant is present in population databases (rs142044989, gnomAD 0.01%). This variant has not been reported in the literature in individuals affected with LHX4-related conditions. ClinVar contains an entry for this variant (Variation ID: 2551201). An algorithm developed to predict the effect of missense changes on protein structure and function (PolyPhen-2) suggests that this variant is likely to be disruptive. In summary, the available evidence is currently insufficient to determine the role of this variant in disease. Therefore, it has been classified as a Variant of Uncertain Significance.